The following is an entry in ClinVar:

NM_002691.4(POLD1):c.125A>G (p.Glu42Gly)

Gene: POLD1 (DNA polymerase delta 1, catalytic subunit; plus strand). Cytogenetic location: 19q13.33.
Variant type: single nucleotide variant.
Coding change: c.125A>G on transcript NM_002691.4 (MANE Select); coding-DNA position 125, A replaced by G.
Protein change: p.Glu42Gly; replaces glutamic acid 42 with glycine.
Molecular consequence: missense variant. On other transcripts: non-coding transcript variant (1).
Genome position (GRCh38, 1-based): chr19:50,398,976, A>G. VCF-style: chr19-50398976-A-G. GRCh37 (hg19) VCF-style: chr19-50902233-A-G.
Other names: c.125A>G, p.Glu42Gly (NM_001438211.1, NM_001438212.1, NM_001438213.1 and 3 more transcripts); short protein forms E42G.
Identifiers: ClinVar variation 4844402 (VCV004844402.1).

ClinVar aggregate classification (germline): Uncertain significance (1 of 4 stars; one submission).

Conditions:
Hereditary cancer-predisposing syndrome. Also called: Neoplastic Syndromes, Hereditary; Tumor predisposition; Hereditary Cancer Syndrome; Hereditary neoplastic syndrome. Identifiers: Orphanet 140162, MedGen C0027672, MeSH D009386, MONDO:0015356.

Submission:

Ambry Genetics
Classification: Uncertain significance for Hereditary cancer-predisposing syndrome. Last evaluated: 2026-02-19. Review status: criteria provided, single submitter. Criteria: Ambry Variant Classification Scheme 2023. Collection method: clinical testing. Allele origin: germline.
Comment: The p.E42G variant (also known as c.125A>G), located in coding exon 1 of the POLD1 gene, results from an A to G substitution at nucleotide position 125. The glutamic acid at codon 42 is replaced by glycine, an amino acid with similar properties. This amino acid position is conserved. In addition, this alteration is predicted to be tolerated by in silico analysis. Based on the available evidence, the clinical significance of this variant remains unclear.